The following is an entry in ClinVar:

ClinVar aggregate classification (germline): Uncertain significance (1 of 4 stars; one submission).

gnomAD v4.1: 4 of 1,613,610 alleles (0.00025%); highest among the groups gnomAD compares: African/African-American, 0.0027%; no homozygotes.

Submission:

Labcorp Genetics (formerly Invitae), Labcorp
Classification: Uncertain significance. Last evaluated: 2024-02-11. Review status: criteria provided, single submitter. Criteria: Invitae Variant Classification Sherloc (09022015). Collection method: clinical testing. Allele origin: germline.
Comment: This sequence change replaces asparagine, which is neutral and polar, with aspartic acid, which is acidic and polar, at codon 514 of the ADAM9 protein (p.Asn514Asp). This variant is present in population databases (no rsID available, gnomAD 0.01%). This variant has not been reported in the literature in individuals affected with ADAM9-related conditions. Advanced modeling of protein sequence and biophysical properties (such as structural, functional, and spatial information, amino acid conservation, physicochemical variation, residue mobility, and thermodynamic stability) performed at Invitae indicates that this missense variant is not expected to disrupt ADAM9 protein function with a negative predictive value of 80%. In summary, the available evidence is currently insufficient to determine the role of this variant in disease. Therefore, it has been classified as a Variant of Uncertain Significance.

NM_003816.3(ADAM9):c.1540A>G (p.Asn514Asp)

Gene: ADAM9 (ADAM metallopeptidase domain 9; plus strand). Cytogenetic location: 8p11.22.
Variant type: single nucleotide variant.
Coding change: c.1540A>G on transcript NM_003816.3 (MANE Select); coding-DNA position 1540, A replaced by G.
Protein change: p.Asn514Asp; replaces asparagine 514 with aspartic acid.
Molecular consequence: missense variant. On other transcripts: non-coding transcript variant (3).
Genome position (GRCh38, 1-based): chr8:39,055,721, A>G. VCF-style: chr8-39055721-A-G. GRCh37 (hg19) VCF-style: chr8-38913240-A-G.
Other names: short protein forms N514D.
Identifiers: ClinVar variation 3633002 (VCV003633002.2).